The following is an entry in ClinVar:

ClinVar aggregate classification (germline): Uncertain significance. Review status: criteria provided, multiple submitters, no conflicts (2 of 4 stars). 2 submissions from 2 submitters: Uncertain significance (2). Last evaluated 2026-03-27.

Conditions:
Distal myopathy with posterior leg and anterior hand involvement. Also called: WILLIAMS DISTAL MYOPATHY. Identifiers: Orphanet 63273, MedGen C3279722, MONDO:0013550, OMIM 614065.
Myofibrillar myopathy 5. Also called: Filaminopathy (type); FILAMINOPATHY, AUTOSOMAL DOMINANT. Identifiers: Orphanet 171445, MedGen C1836050, MONDO:0012289, OMIM 609524.
Hypertrophic cardiomyopathy 26. Also called: Cardiomyopathy, familial hypertrophic, 26. Identifiers: Orphanet 75249, MedGen C4310749, MONDO:0014883, OMIM 617047.
Cardiovascular phenotype. Identifiers: MedGen CN230736.

Submissions (2):

Molecular Diagnostic Laboratory for Inherited Cardiovascular Disease, Montreal Heart Institute
Classification: Uncertain significance for Cardiovascular phenotype. Last evaluated: 2026-03-27. Review status: criteria provided, single submitter. Criteria: ACMG Guidelines, 2015. Collection method: clinical testing. Allele origin: germline. Affected: yes.
Comment: PM2

Labcorp Genetics (formerly Invitae), Labcorp
Classification: Uncertain significance for Distal myopathy with posterior leg and anterior hand involvement; Myofibrillar myopathy 5; Hypertrophic cardiomyopathy 26. Last evaluated: 2024-09-02. Review status: criteria provided, single submitter. Criteria: Invitae Variant Classification Sherloc (09022015). Collection method: clinical testing. Allele origin: germline.
Comment: This sequence change replaces threonine, which is neutral and polar, with lysine, which is basic and polar, at codon 2188 of the FLNC protein (p.Thr2188Lys). This variant is not present in population databases (gnomAD no frequency). This variant has not been reported in the literature in individuals affected with FLNC-related conditions. An algorithm developed to predict the effect of missense changes on protein structure and function (PolyPhen-2) suggests that this variant is likely to be tolerated. In summary, the available evidence is currently insufficient to determine the role of this variant in disease. Therefore, it has been classified as a Variant of Uncertain Significance.

NM_001458.5(FLNC):c.6563C>A (p.Thr2188Lys)

Genes: FLNC-AS1 (FLNC antisense RNA 1; minus strand), FLNC (filamin C; plus strand). Cytogenetic location: 7q32.1.
Variant type: single nucleotide variant.
Coding change: c.6563C>A on transcript NM_001458.5 (MANE Select); coding-DNA position 6563, C replaced by A.
Protein change: p.Thr2188Lys; replaces threonine 2188 with lysine.
Molecular consequence: missense variant.
Genome position (GRCh38, 1-based): chr7:128,854,052, C>A. VCF-style: chr7-128854052-C-A. GRCh37 (hg19) VCF-style: chr7-128494106-C-A.
Other names: c.6464C>A, p.Thr2155Lys (NM_001127487.2); short protein forms T2155K, T2188K.
Identifiers: ClinVar variation 3751697 (VCV003751697.3).